The following is an entry in ClinVar:

NM_002528.7(NTHL1):c.513C>T (p.Val171=)

Gene: NTHL1 (nth like DNA glycosylase 1; minus strand). Cytogenetic location: 16p13.3.
Variant type: single nucleotide variant.
Coding change: c.513C>T on transcript NM_002528.7 (MANE Select); coding-DNA position 513, C replaced by T.
Protein change: p.Val171=; no amino-acid change (valine 171 retained).
Molecular consequence: synonymous variant. On other transcripts: intron variant (1).
Genome position (GRCh38, 1-based): chr16:2,044,642, G>A on the plus strand (C>T on the coding strand, the complement: NTHL1 is on the minus strand). VCF-style: chr16-2044642-G-A. GRCh37 (hg19) VCF-style: chr16-2094643-G-A.
Other names: c.183C>T, p.Val61= (NM_001318194.2); c.355-916C>T (NM_001318193.2).
Identifiers: ClinVar variation 757324 (VCV000757324.38), dbSNP rs140211154, ClinGen allele CA7828234.

ClinVar aggregate classification (germline): Likely benign. Review status: criteria provided, multiple submitters, no conflicts (2 of 4 stars). 4 submissions from 4 submitters: Likely benign (4). Last evaluated 2026-01-31.

Conditions:
Hereditary cancer-predisposing syndrome. Also called: Hereditary Cancer Syndrome; Tumor predisposition; Hereditary neoplastic syndrome; Neoplastic Syndromes, Hereditary. Identifiers: Orphanet 140162, MedGen C0027672, MeSH D009386, MONDO:0015356.

Allele frequency attached by ClinVar (database versions not stated): gnomAD 0.00002 and 0.00003; gnomAD exomes 0.00002 and 0.00003; TOPMed 0.00002; ExAC 0.00003; ESP Exome Variant Server 0.00015.
gnomAD v4.1: 33 of 1,605,562 alleles (0.0021%); highest among the groups gnomAD compares: South Asian, 0.013%; no homozygotes.

Submissions (4):

Labcorp Genetics (formerly Invitae), Labcorp
Classification: Likely benign. Last evaluated: 2026-01-31. Review status: criteria provided, single submitter. Criteria: Invitae Variant Classification Sherloc (09022015). Collection method: clinical testing. Allele origin: germline.

CeGaT Center for Human Genetics Tuebingen
Classification: Likely benign. Last evaluated: 2022-12-01. Review status: criteria provided, single submitter. Criteria: CeGaT Center For Human Genetics Tuebingen Variant Classification Criteria Version 2. Collection method: clinical testing. Allele origin: germline. Affected: yes. Observed: 1 variant allele.
Comment: NTHL1: BP4, BP7

Ambry Genetics
Classification: Likely benign for Hereditary cancer-predisposing syndrome. Last evaluated: 2021-08-24. Review status: criteria provided, single submitter. Criteria: Ambry Variant Classification Scheme 2023. Collection method: clinical testing. Allele origin: germline.

Breakthrough Genomics
Classification: Likely benign. Review status: criteria provided, single submitter. Criteria: ACMG Guidelines, 2015. Collection method: not provided. Allele origin: germline. Inheritance: Autosomal recessive inheritance. Affected: yes.